The following is an entry in ClinVar:

NC_000002.11:g.(?_228142145)_(228142289_?)del

Gene: COL4A3 (collagen type IV alpha 3 chain; plus strand). Cytogenetic location: 2q36.3.
Variant type: Deletion.
Identifiers: ClinVar variation 1346589 (VCV001346589.6).

ClinVar aggregate classification (germline): Likely pathogenic (1 of 4 stars; one submission).

Submission:

Labcorp Genetics (formerly Invitae), Labcorp
Classification: Likely pathogenic. Last evaluated: 2021-01-15. Review status: criteria provided, single submitter. Criteria: Invitae Variant Classification Sherloc (09022015). Collection method: clinical testing. Allele origin: germline.
Comment: In summary, the currently available evidence indicates that the variant is pathogenic, but additional data are needed to prove that conclusively. Therefore, this variant has been classified as Likely Pathogenic. This variant disrupts the p.Gly695 amino acid residue in COL4A3. Other variant(s) that disrupt this residue have been determined to be pathogenic (PMID: 24052634, 29854973,14871398, 29098738). This suggests that this residue is clinically significant, and that variants that disrupt this residue are likely to be disease-causing. Experimental studies and prediction algorithms are not available or were not evaluated, and the functional significance of this variant is currently unknown. This variant has been observed in individual(s) with clinical features of Alport syndrome (Invitae). This variant is a gross deletion of the genomic region encompassing exon(s) 28 of the COL4A3 gene. This variant would be expected to be in-frame, preserving the integrity of the reading frame.

Literature cited by the submitters: PubMed 24052634; PubMed 29854973; PubMed 14871398; PubMed 29098738.